The following is an entry in ClinVar:

ClinVar aggregate classification (germline): Likely benign (1 of 4 stars; one submission).

Submission:

CeGaT Center for Human Genetics Tuebingen
Classification: Likely benign. Last evaluated: 2026-06-01. Review status: criteria provided, single submitter. Criteria: CeGaT Center For Human Genetics Tuebingen Variant Classification Criteria Version 2. Collection method: clinical testing. Allele origin: germline. Affected: yes. Observed: 1 variant allele.
Comment: DYNC1H1: BP4

NM_001376.5(DYNC1H1):c.7468A>G (p.Ile2490Val)

Gene: DYNC1H1 (dynein cytoplasmic 1 heavy chain 1; plus strand). Cytogenetic location: 14q32.31.
Variant type: single nucleotide variant.
Coding change: c.7468A>G on transcript NM_001376.5 (MANE Select); coding-DNA position 7468, A replaced by G.
Protein change: p.Ile2490Val; replaces isoleucine 2490 with valine.
Molecular consequence: missense variant.
Genome position (GRCh38, 1-based): chr14:102,016,081, A>G. VCF-style: chr14-102016081-A-G. GRCh37 (hg19) VCF-style: chr14-102482418-A-G.
Other names: short protein forms I2490V.
Identifiers: ClinVar variation 4873249 (VCV004873249.2).